The following is an entry in ClinVar:

NM_001330360.2(POLA1):c.1430A>G (p.Glu477Gly)

Gene: POLA1 (DNA polymerase alpha 1, catalytic subunit; plus strand). Cytogenetic location: Xp22.11.
Variant type: single nucleotide variant.
Coding change: c.1430A>G on transcript NM_001330360.2 (MANE Select); coding-DNA position 1430, A replaced by G.
Protein change: p.Glu477Gly; replaces glutamic acid 477 with glycine.
Molecular consequence: missense variant. On other transcripts: non-coding transcript variant (2).
Genome position (GRCh38, 1-based): chrX:24,726,970, A>G. VCF-style: chrX-24726970-A-G. GRCh37 (hg19) VCF-style: chrX-24745087-A-G.
Other names: c.1355A>G, p.Glu452Gly (NM_001378303.1); c.1412A>G, p.Glu471Gly (NM_016937.4); short protein forms E452G, E471G, E477G.
Identifiers: ClinVar variation 2013833 (VCV002013833.4), dbSNP rs2518789606, ClinGen allele CA412533627.

ClinVar aggregate classification (germline): Uncertain significance (1 of 4 stars; one submission).

Submission:

Labcorp Genetics (formerly Invitae), Labcorp
Classification: Uncertain significance. Last evaluated: 2022-07-03. Review status: criteria provided, single submitter. Criteria: Invitae Variant Classification Sherloc (09022015). Collection method: clinical testing. Allele origin: germline.
Comment: In summary, the available evidence is currently insufficient to determine the role of this variant in disease. Therefore, it has been classified as a Variant of Uncertain Significance. Algorithms developed to predict the effect of missense changes on protein structure and function (SIFT, PolyPhen-2, Align-GVGD) all suggest that this variant is likely to be tolerated. This variant has not been reported in the literature in individuals affected with POLA1-related conditions. This variant is not present in population databases (gnomAD no frequency). This sequence change replaces glutamic acid, which is acidic and polar, with glycine, which is neutral and non-polar, at codon 471 of the POLA1 protein (p.Glu471Gly).